The following is an entry in ClinVar:

NM_001271938.2(MEGF8):c.2635G>T (p.Ala879Ser)

Gene: MEGF8 (multiple EGF like domains 8; plus strand). Cytogenetic location: 19q13.2.
Variant type: single nucleotide variant.
Coding change: c.2635G>T on transcript NM_001271938.2 (MANE Select); coding-DNA position 2635, G replaced by T.
Protein change: p.Ala879Ser; replaces alanine 879 with serine.
Molecular consequence: missense variant.
Genome position (GRCh38, 1-based): chr19:42,350,283, G>T. VCF-style: chr19-42350283-G-T. GRCh37 (hg19) VCF-style: chr19-42854435-G-T.
Other names: c.2434G>T, p.Ala812Ser (NM_001410.3); short protein forms A812S, A879S.
Identifiers: ClinVar variation 1801081 (VCV001801081.5), dbSNP rs147886477, ClinGen allele CA9474765.

ClinVar aggregate classification (germline): Uncertain significance. Review status: criteria provided, multiple submitters, no conflicts (2 of 4 stars). 2 submissions from 2 submitters: Uncertain significance (2). Last evaluated 2025-10-22.

Conditions:
Inborn genetic diseases. Identifiers: MedGen C0950123, MeSH D030342.

Allele frequency attached by ClinVar (database versions not stated): TOPMed 0.00008; ExAC 0.00012; gnomAD 0.00007; ESP Exome Variant Server 0.00015.
gnomAD v4.1: 149 of 1,610,478 alleles (0.0093%); highest among the groups gnomAD compares: Non-Finnish European, 0.012%; no homozygotes.

Submissions (2):

Ambry Genetics
Classification: Uncertain significance for Inborn genetic diseases. Last evaluated: 2025-10-22. Review status: criteria provided, single submitter. Criteria: Ambry Variant Classification Scheme 2023. Collection method: clinical testing. Allele origin: germline.

GeneDx
Classification: Uncertain significance. Last evaluated: 2022-05-24. Review status: criteria provided, single submitter. Criteria: GeneDx Variant Classification Process June 2021. Collection method: clinical testing. Allele origin: germline. Affected: yes.
Comment: In silico analysis supports that this missense variant does not alter protein structure/function; Has not been previously published as pathogenic or benign to our knowledge